The following is an entry in ClinVar:

ClinVar aggregate classification (germline): Uncertain significance (1 of 4 stars; one submission).

Conditions:
Orthostatic hypotension 1 (ORTHYP1). Also called: Orthostatic hypotension 1, due to DBH deficiency; Dopamine beta-hydroxylase deficiency; NORADRENALINE DEFICIENCY; NOREPINEPHRINE DEFICIENCY. Identifiers: Orphanet 230, MedGen C4746777, MONDO:0009123, OMIM 223360.

Allele frequency attached by ClinVar (database versions not stated): gnomAD 0.00001; gnomAD exomes 0.00010.

Submission:

Labcorp Genetics (formerly Invitae), Labcorp
Classification: Uncertain significance for Orthostatic hypotension 1. Last evaluated: 2022-07-03. Review status: criteria provided, single submitter. Criteria: Invitae Variant Classification Sherloc (09022015). Collection method: clinical testing. Allele origin: germline.
Comment: This sequence change replaces methionine, which is neutral and non-polar, with isoleucine, which is neutral and non-polar, at codon 264 of the DBH protein (p.Met264Ile). This variant is present in population databases (no rsID available, gnomAD 0.006%). This variant has not been reported in the literature in individuals affected with DBH-related conditions. Algorithms developed to predict the effect of missense changes on protein structure and function output the following: SIFT: "Tolerated"; PolyPhen-2: "Benign"; Align-GVGD: "Class C0". The isoleucine amino acid residue is found in multiple mammalian species, which suggests that this missense change does not adversely affect protein function. Algorithms developed to predict the effect of sequence changes on RNA splicing suggest that this variant may create or strengthen a splice site. In summary, the available evidence is currently insufficient to determine the role of this variant in disease. Therefore, it has been classified as a Variant of Uncertain Significance.

NM_000787.4(DBH):c.792G>T (p.Met264Ile)

Gene: DBH (dopamine beta-hydroxylase; plus strand). Cytogenetic location: 9q34.2.
Variant type: single nucleotide variant.
Coding change: c.792G>T on transcript NM_000787.4 (MANE Select); coding-DNA position 792, G replaced by T.
Protein change: p.Met264Ile; replaces methionine 264 with isoleucine.
Molecular consequence: missense variant.
Genome position (GRCh38, 1-based): chr9:133,643,460, G>T. VCF-style: chr9-133643460-G-T. GRCh37 (hg19) VCF-style: chr9-136508582-G-T.
Other names: short protein forms M264I.
Identifiers: ClinVar variation 1916928 (VCV001916928.2), dbSNP rs1215315020, ClinGen allele CA375413997.